The following is an entry in ClinVar:

ClinVar aggregate classification (germline): Benign/Likely benign. Review status: criteria provided, multiple submitters, no conflicts (2 of 4 stars). 4 submissions from 4 submitters: Benign (2); Likely benign (2). Last evaluated 2026-10-01.

Conditions:
Neurodevelopmental disorder and structural brain anomalies with or without seizures and spasticity. Identifiers: MedGen C5394423, MONDO:0030046, OMIM 618890.

Allele frequency attached by ClinVar (database versions not stated): 1000 Genomes Project 30x 0.00094; 1000 Genomes Project 0.00120; TOPMed 0.00291; ESP Exome Variant Server 0.00331; gnomAD exomes 0.00355; ExAC 0.00357; gnomAD 0.00370 and 0.00384.

Submissions (4):

CeGaT Center for Human Genetics Tuebingen
Classification: Likely benign. Last evaluated: 2026-10-01. Review status: criteria provided, single submitter. Criteria: CeGaT Center For Human Genetics Tuebingen Variant Classification Criteria Version 2. Collection method: clinical testing. Allele origin: germline. Affected: yes. Observed: 39 variant alleles.
Comment: PTPN23: BS2

Labcorp Genetics (formerly Invitae), Labcorp
Classification: Benign. Last evaluated: 2026-02-03. Review status: criteria provided, single submitter. Criteria: Invitae Variant Classification Sherloc (09022015). Collection method: clinical testing. Allele origin: germline.

ARUP Laboratories, Molecular Genetics and Genomics, ARUP Laboratories
Classification: Likely benign for Neurodevelopmental disorder and structural brain anomalies with or without seizures and spasticity. Last evaluated: 2025-04-10. Review status: criteria provided, single submitter. Criteria: ARUP Molecular Germline Variant Investigation Process 2024. Collection method: clinical testing. Allele origin: germline.

Breakthrough Genomics
Classification: Benign. Review status: criteria provided, single submitter. Criteria: ACMG Guidelines, 2015. Collection method: not provided. Allele origin: germline. Inheritance: Autosomal recessive inheritance. Affected: yes.

NM_015466.4(PTPN23):c.781G>A (p.Glu261Lys)

Gene: PTPN23 (protein tyrosine phosphatase non-receptor type 23; plus strand). Cytogenetic location: 3p21.31.
Variant type: single nucleotide variant.
Coding change: c.781G>A on transcript NM_015466.4 (MANE Select); coding-DNA position 781, G replaced by A.
Protein change: p.Glu261Lys; replaces glutamic acid 261 with lysine.
Molecular consequence: missense variant.
Genome position (GRCh38, 1-based): chr3:47,406,724, G>A. VCF-style: chr3-47406724-G-A. GRCh37 (hg19) VCF-style: chr3-47448214-G-A.
Other names: c.403G>A, p.Glu135Lys (NM_001304482.2); short protein forms E135K, E261K.
Identifiers: ClinVar variation 718732 (VCV000718732.42), dbSNP rs147122610, ClinGen allele CA2365483.